The following is an entry in ClinVar:

NM_032901.4(COX14):c.164G>T (p.Gly55Val)

Gene: COX14 (cytochrome c oxidase assembly factor COX14; plus strand). Cytogenetic location: 12q13.12.
Variant type: single nucleotide variant.
Coding change: c.164G>T on transcript NM_032901.4 (MANE Select); coding-DNA position 164, G replaced by T.
Protein change: p.Gly55Val; replaces glycine 55 with valine.
Molecular consequence: missense variant.
Genome position (GRCh38, 1-based): chr12:50,120,207, G>T. VCF-style: chr12-50120207-G-T. GRCh37 (hg19) VCF-style: chr12-50513990-G-T.
Other names: c.164G>T, p.Gly55Val (NM_001257133.2, NM_001257134.2); short protein forms G55V.
Identifiers: ClinVar variation 2985807 (VCV002985807.3), dbSNP rs2539551887, ClinGen allele CA384808144.

ClinVar aggregate classification (germline): Uncertain significance (1 of 4 stars; one submission).

Allele frequency attached by ClinVar (database versions not stated): gnomAD exomes 0.00001.
gnomAD v4.1: 16 of 1,613,748 alleles (0.00099%); highest among the groups gnomAD compares: Non-Finnish European, 0.0014%; 1 homozygote.

Submission:

Labcorp Genetics (formerly Invitae), Labcorp
Classification: Uncertain significance. Last evaluated: 2024-12-02. Review status: criteria provided, single submitter. Criteria: Invitae Variant Classification Sherloc (09022015). Collection method: clinical testing. Allele origin: germline.
Comment: This sequence change replaces glycine, which is neutral and non-polar, with valine, which is neutral and non-polar, at codon 55 of the COX14 protein (p.Gly55Val). This variant is not present in population databases (gnomAD no frequency). This variant has not been reported in the literature in individuals affected with COX14-related conditions. ClinVar contains an entry for this variant (Variation ID: 2985807). An algorithm developed to predict the effect of missense changes on protein structure and function (PolyPhen-2) suggests that this variant is likely to be disruptive. In summary, the available evidence is currently insufficient to determine the role of this variant in disease. Therefore, it has been classified as a Variant of Uncertain Significance.